The following is an entry in ClinVar:

NM_007315.4(STAT1):c.463-6T>G

Gene: STAT1 (signal transducer and activator of transcription 1; minus strand). Cytogenetic location: 2q32.2.
Variant type: single nucleotide variant.
Coding change: c.463-6T>G on transcript NM_007315.4 (MANE Select); 6 bases into the intron before coding-DNA position 463, T replaced by G.
Molecular consequence: intron variant.
Genome position (GRCh38, 1-based): chr2:190,999,710, A>C on the plus strand (T>G on the coding strand, the complement: STAT1 is on the minus strand). VCF-style: chr2-190999710-A-C. GRCh37 (hg19) VCF-style: chr2-191864436-A-C.
Other names: c.463-6T>G (NM_001384887.1, NM_001384880.1, NM_001384888.1 and 5 more transcripts); c.373-6T>G (NM_001384890.1); c.463-13T>G (NM_001384883.1); c.499-6T>G (NM_001384891.1); c.469-6T>G (NM_001384884.1, NM_001384881.1).
Identifiers: ClinVar variation 2933593 (VCV002933593.3), dbSNP rs767018697, ClinGen allele CA2030220.

ClinVar aggregate classification (germline): Uncertain significance (1 of 4 stars; one submission).

Conditions:
Mendelian susceptibility to mycobacterial diseases due to partial STAT1 deficiency. Also called: IMMUNODEFICIENCY 31A, MYCOBACTERIOSIS, AUTOSOMAL DOMINANT; STAT1 DEFICIENCY, AUTOSOMAL DOMINANT; Immunodeficiency 31a. Identifiers: Orphanet 319595, MedGen C4013950, MONDO:0013956, OMIM 614892.
Immunodeficiency 31B. Also called: IMMUNODEFICIENCY 31B, MYCOBACTERIAL AND VIRAL INFECTIONS, AUTOSOMAL RECESSIVE; STAT1 DEFICIENCY, AUTOSOMAL RECESSIVE. Identifiers: Orphanet 391311, MedGen C3151088, MONDO:0013427, OMIM 613796.
Autoimmune enteropathy and endocrinopathy - susceptibility to chronic infections syndrome. Also called: Immunodeficiency 31C, autosomal dominant; Immunodeficiency 31C. Identifiers: Orphanet 391487, MedGen C3279990, MONDO:0013599, OMIM 614162.

Allele frequency attached by ClinVar (database versions not stated): ExAC 0.00002.
gnomAD v4.1: 1 of 1,605,012 alleles (0.000062%); highest among the groups gnomAD compares: Non-Finnish European, 0.000085%; no homozygotes.

Submission:

Labcorp Genetics (formerly Invitae), Labcorp
Classification: Uncertain significance for Mendelian susceptibility to mycobacterial diseases due to partial STAT1 deficiency; Immunodeficiency 31B; Autoimmune enteropathy and endocrinopathy - susceptibility to chronic infections syndrome. Last evaluated: 2023-05-23. Review status: criteria provided, single submitter. Criteria: Invitae Variant Classification Sherloc (09022015). Collection method: clinical testing. Allele origin: germline.
Comment: This sequence change falls in intron 6 of the STAT1 gene. It does not directly change the encoded amino acid sequence of the STAT1 protein. This variant is present in population databases (rs767018697, gnomAD 0.0009%). This variant has not been reported in the literature in individuals affected with STAT1-related conditions. Algorithms developed to predict the effect of sequence changes on RNA splicing suggest that this variant may disrupt the consensus splice site. In summary, the available evidence is currently insufficient to determine the role of this variant in disease. Therefore, it has been classified as a Variant of Uncertain Significance.